The following is an entry in ClinVar:

ClinVar aggregate classification (germline): Uncertain significance. Review status: criteria provided, multiple submitters, no conflicts (2 of 4 stars). 2 submissions from 2 submitters: Uncertain significance (2). Last evaluated 2023-02-15.

Conditions:
GP9-related disorder. Also called: GP9-related condition.

Allele frequency attached by ClinVar (database versions not stated): gnomAD exomes 0.00003; TOPMed 0.00003; gnomAD 0.00004; ExAC 0.00008; 1000 Genomes Project 0.00020; 1000 Genomes Project 30x 0.00047.
gnomAD v4.1: 54 of 1,571,036 alleles (0.0034%); highest among the groups gnomAD compares: African/African-American, 0.013%; no homozygotes.

Submissions (2):

PreventionGenetics, part of Exact Sciences
Classification: Uncertain significance for GP9-related condition. Last evaluated: 2023-02-15. Review status: criteria provided, single submitter. Criteria: ACMG Guidelines, 2015. Collection method: clinical testing. Allele origin: germline.
Comment: The GP9 c.454G>A variant is predicted to result in the amino acid substitution p.Val152Met. To our knowledge, this variant has not been reported in the literature. This variant is reported in 0.0074% of alleles in individuals of East Asian descent in gnomAD. At this time, the clinical significance of this variant is uncertain due to the absence of conclusive functional and genetic evidence.

Blueprint Genetics
Classification: Uncertain significance. Last evaluated: 2022-05-04. Review status: criteria provided, single submitter. Criteria: ACMG Guidelines, 2015. Collection method: clinical testing. Allele origin: germline.

NM_000174.5(GP9):c.454G>A (p.Val152Met)

Gene: GP9 (glycoprotein IX platelet; plus strand). Cytogenetic location: 3q21.3.
Variant type: single nucleotide variant.
Coding change: c.454G>A on transcript NM_000174.5 (MANE Select); coding-DNA position 454, G replaced by A.
Protein change: p.Val152Met; replaces valine 152 with methionine.
Molecular consequence: missense variant.
Genome position (GRCh38, 1-based): chr3:129,062,193, G>A. VCF-style: chr3-129062193-G-A. GRCh37 (hg19) VCF-style: chr3-128781036-G-A.
Other names: short protein forms V152M.
Identifiers: ClinVar variation 2635956 (VCV002635956.2), dbSNP rs116821050, ClinGen allele CA2602717.